The following is an entry in ClinVar:

ClinVar aggregate classification (germline): Uncertain significance (1 of 4 stars; one submission).

Conditions:
Leukoencephalopathy, progressive, infantile-onset, with or without deafness. Identifiers: MedGen C5542996, MONDO:0030893, OMIM 619147.

Allele frequency attached by ClinVar (database versions not stated): gnomAD exomes below 0.00001; TOPMed below 0.00001.

Submission:

Medical Genetics, Spectrum Health
Classification: Uncertain significance for Leukoencephalopathy, progressive, infantile-onset, with or without deafness. Last evaluated: 2023-08-01. Review status: criteria provided, single submitter. Criteria: ACMG Guidelines, 2015. Collection method: clinical testing. Allele origin: germline. Affected: yes.
Comment: Criteria applied: PM2, PP3. Clinically likely pathogenic but unable to confirm in trans with pathogenic variant as no maternal sample available for testing.

NM_005548.3(KARS1):c.1076C>T (p.Ser359Leu)

Gene: KARS1 (lysyl-tRNA synthetase 1; minus strand). Cytogenetic location: 16q23.1.
Variant type: single nucleotide variant.
Coding change: c.1076C>T on transcript NM_005548.3 (MANE Select); coding-DNA position 1076, C replaced by T.
Protein change: p.Ser359Leu; replaces serine 359 with leucine.
Molecular consequence: missense variant.
Genome position (GRCh38, 1-based): chr16:75,631,695, G>A on the plus strand (C>T on the coding strand, the complement: KARS1 is on the minus strand). VCF-style: chr16-75631695-G-A. GRCh37 (hg19) VCF-style: chr16-75665593-G-A.
Other names: c.1160C>T, p.Ser387Leu (NM_001130089.2); c.608C>T, p.Ser203Leu (NM_001378148.1); short protein forms S203L, S359L, S387L.
Identifiers: ClinVar variation 2576966 (VCV002576966.2), dbSNP rs922764905, ClinGen allele CA284320887.